The following is an entry in ClinVar:

ClinVar aggregate classification (germline): Uncertain significance. Review status: criteria provided, multiple submitters, no conflicts (2 of 4 stars). 3 submissions from 3 submitters: Uncertain significance (3). Last evaluated 2023-08-15.

Conditions:
Cardiomyopathy (CMYO). Also called: Cardiomyopathies. Identifiers: Orphanet 167848, MedGen C0878544, MONDO:0004994, HP:0001638. Inheritance: Various modes of inheritance.
Cardiovascular phenotype. Identifiers: MedGen CN230736.
Hypertrophic cardiomyopathy 2. Also called: TNNT2-Related Familial Hypertrophic Cardiomyopathy. Identifiers: MedGen C1861864, MONDO:0007266, OMIM 115195.
Dilated cardiomyopathy 1D. Identifiers: Orphanet 154, Orphanet 54260, MedGen C1832243, MONDO:0011095, OMIM 601494.
Cardiomyopathy, familial restrictive, 3. Identifiers: Orphanet 75249, MedGen C2676271, MONDO:0012900, OMIM 612422.

Submissions (3):

All of Us Research Program, National Institutes of Health
Classification: Uncertain significance for Cardiomyopathy. Last evaluated: 2023-08-15. Review status: criteria provided, single submitter. Criteria: ACMG Guidelines, 2015. Collection method: clinical testing. Allele origin: germline. Inheritance: Autosomal dominant inheritance. Observed: 1 variant allele, 1 heterozygote.
Comment: This missense variant replaces glutamic acid with glycine at codon 147 of the TNNT2 protein. Computational prediction suggests that this variant may have deleterious impact on protein structure and function (internally defined REVEL score threshold >= 0.7, PMID: 27666373). To our knowledge, functional studies have not been reported for this variant. This variant has not been reported in individuals affected with cardiovascular disorders in the literature. This variant has not been identified in the general population by the Genome Aggregation Database (gnomAD). The available evidence is insufficient to determine the role of this variant in disease conclusively. Therefore, this variant is classified as a Variant of Uncertain Significance.

This study involves interpretation of variants in research participants for the purpose of population health screening. Participant phenotype was not available at the time of variant classification. Additional details can be found in publication PMID: 35346344, PMCID: PMC8962531

Labcorp Genetics (formerly Invitae), Labcorp
Classification: Uncertain significance for Cardiomyopathy, familial restrictive, 3; Hypertrophic cardiomyopathy 2; Dilated cardiomyopathy 1D. Last evaluated: 2023-05-19. Review status: criteria provided, single submitter. Criteria: Invitae Variant Classification Sherloc (09022015). Collection method: clinical testing. Allele origin: germline.
Comment: This variant is not present in population databases (gnomAD no frequency). This variant has not been reported in the literature in individuals affected with TNNT2-related conditions. ClinVar contains an entry for this variant (Variation ID: 1740374). Advanced modeling of protein sequence and biophysical properties (such as structural, functional, and spatial information, amino acid conservation, physicochemical variation, residue mobility, and thermodynamic stability) performed at Invitae indicates that this missense variant is expected to disrupt TNNT2 protein function. In summary, the available evidence is currently insufficient to determine the role of this variant in disease. Therefore, it has been classified as a Variant of Uncertain Significance. This sequence change replaces glutamic acid, which is acidic and polar, with glycine, which is neutral and non-polar, at codon 147 of the TNNT2 protein (p.Glu147Gly).

Ambry Genetics
Classification: Uncertain significance for Cardiovascular phenotype. Last evaluated: 2022-03-19. Review status: criteria provided, single submitter. Criteria: Ambry Variant Classification Scheme 2023. Collection method: clinical testing. Allele origin: germline.
Comment: The p.E147G variant (also known as c.440A>G), located in coding exon 9 of the TNNT2 gene, results from an A to G substitution at nucleotide position 440. The glutamic acid at codon 147 is replaced by glycine, an amino acid with similar properties. This amino acid position is conserved. In addition, this alteration is predicted to be deleterious by in silico analysis. Since supporting evidence is limited at this time, the clinical significance of this alteration remains unclear.

NM_001276345.2(TNNT2):c.470A>G (p.Glu157Gly)

Gene: TNNT2 (troponin T2, cardiac type; minus strand). Cytogenetic location: 1q32.1.
Variant type: single nucleotide variant.
Coding change: c.470A>G on transcript NM_001276345.2 (MANE Select); coding-DNA position 470, A replaced by G.
Protein change: p.Glu157Gly; replaces glutamic acid 157 with glycine.
Molecular consequence: missense variant.
Genome position (GRCh38, 1-based): chr1:201,364,317, T>C on the plus strand (A>G on the coding strand, the complement: TNNT2 is on the minus strand). VCF-style: chr1-201364317-T-C. GRCh37 (hg19) VCF-style: chr1-201333445-T-C.
Other names: c.470A>G, p.Glu157Gly (NM_000364.4, NM_001406723.1); c.440A>G, p.Glu147Gly (NM_001001430.3, NM_001001431.3, NM_001276347.2 and 3 more transcripts); c.425A>G, p.Glu142Gly (NM_001001432.3, NM_001406728.1); c.350A>G, p.Glu117Gly (NM_001276346.2); c.437A>G, p.Glu146Gly (NM_001406725.1); short protein forms E157G, E117G, E146G, E147G, E142G.
Identifiers: ClinVar variation 1740374 (VCV001740374.6), dbSNP rs2526998618, ClinGen allele CA088607.